The following is an entry in ClinVar:

NM_001365480.1(CCDC88A):c.900G>A (p.Ser300=)

Gene: CCDC88A (coiled-coil and HOOK domain protein 88A; minus strand). Cytogenetic location: 2p16.1.
Variant type: single nucleotide variant.
Coding change: c.900G>A on transcript NM_001365480.1 (MANE Select); coding-DNA position 900, G replaced by A.
Protein change: p.Ser300=; no amino-acid change (serine 300 retained).
Molecular consequence: synonymous variant.
Genome position (GRCh38, 1-based): chr2:55,346,316, C>T on the plus strand (G>A on the coding strand, the complement: CCDC88A is on the minus strand). VCF-style: chr2-55346316-C-T. GRCh37 (hg19) VCF-style: chr2-55573452-C-T.
Other names: c.900G>A, p.Ser300= (NM_001135597.2, NM_001254943.2, NM_018084.5).
Identifiers: ClinVar variation 1393441 (VCV001393441.8), dbSNP rs370202609, ClinGen allele CA47615654.

ClinVar aggregate classification (germline): Uncertain significance (1 of 4 stars; one submission).

Allele frequency attached by ClinVar (database versions not stated): gnomAD 0.00001; gnomAD exomes 0.00001; TOPMed 0.00001; ESP Exome Variant Server 0.00008.
gnomAD v4.1: 14 of 1,589,006 alleles (0.00088%); highest among the groups gnomAD compares: African/African-American, 0.0013%; no homozygotes.

Submission:

Labcorp Genetics (formerly Invitae), Labcorp
Classification: Uncertain significance. Last evaluated: 2021-06-28. Review status: criteria provided, single submitter. Criteria: Invitae Variant Classification Sherloc (09022015). Collection method: clinical testing. Allele origin: germline.
Comment: This sequence change affects codon 300 of the CCDC88A mRNA. It is a 'silent' change, meaning that it does not change the encoded amino acid sequence of the CCDC88A protein. This variant is not present in population databases (ExAC no frequency). This variant has not been reported in the literature in individuals with CCDC88A-related conditions. Algorithms developed to predict the effect of sequence changes on RNA splicing suggest that this variant may create or strengthen a splice site, but this prediction has not been confirmed by published transcriptional studies. In summary, the available evidence is currently insufficient to determine the role of this variant in disease. Therefore, it has been classified as a Variant of Uncertain Significance.